The following is an entry in ClinVar:

ClinVar aggregate classification (germline): Uncertain significance (1 of 4 stars; one submission).

Conditions:
Werner syndrome (WRN). Identifiers: Orphanet 902, MedGen C0043119, MONDO:0010196, OMIM 277700.

Submission:

Labcorp Genetics (formerly Invitae), Labcorp
Classification: Uncertain significance for Werner syndrome. Last evaluated: 2022-11-19. Review status: criteria provided, single submitter. Criteria: Invitae Variant Classification Sherloc (09022015). Collection method: clinical testing. Allele origin: germline.
Comment: This variant is not present in population databases (gnomAD no frequency). In summary, the available evidence is currently insufficient to determine the role of this variant in disease. Therefore, it has been classified as a Variant of Uncertain Significance. Algorithms developed to predict the effect of missense changes on protein structure and function output the following: SIFT: "Not Available"; PolyPhen-2: "Benign"; Align-GVGD: "Not Available". The asparagine amino acid residue is found in multiple mammalian species, which suggests that this missense change does not adversely affect protein function. ClinVar contains an entry for this variant (Variation ID: 836333). This variant has not been reported in the literature in individuals affected with WRN-related conditions. This sequence change replaces serine, which is neutral and polar, with asparagine, which is neutral and polar, at codon 72 of the WRN protein (p.Ser72Asn).

NM_000553.6(WRN):c.215G>A (p.Ser72Asn)

Gene: WRN (WRN RecQ like helicase; plus strand). Cytogenetic location: 8p12.
Variant type: single nucleotide variant.
Coding change: c.215G>A on transcript NM_000553.6 (MANE Select); coding-DNA position 215, G replaced by A.
Protein change: p.Ser72Asn; replaces serine 72 with asparagine.
Molecular consequence: missense variant.
Genome position (GRCh38, 1-based): chr8:31,064,294, G>A. VCF-style: chr8-31064294-G-A. GRCh37 (hg19) VCF-style: chr8-30921810-G-A.
Other names: short protein forms S72N.
Identifiers: ClinVar variation 836333 (VCV000836333.5), dbSNP rs1812609701, ClinGen allele CA370913792.